The following is an entry in ClinVar:

NM_020708.5(SLC12A5):c.252T>G (p.Asn84Lys)

Gene: SLC12A5 (solute carrier family 12 member 5; plus strand). Cytogenetic location: 20q13.12.
Variant type: single nucleotide variant.
Coding change: c.252T>G on transcript NM_020708.5 (MANE Select); coding-DNA position 252, T replaced by G.
Protein change: p.Asn84Lys; replaces asparagine 84 with lysine.
Molecular consequence: missense variant.
Genome position (GRCh38, 1-based): chr20:46,035,508, T>G. VCF-style: chr20-46035508-T-G. GRCh37 (hg19) VCF-style: chr20-44664147-T-G.
Other names: c.321T>G, p.Asn107Lys (NM_001134771.2); short protein forms N107K, N84K.
Identifiers: ClinVar variation 4883709 (VCV004883709.2).

ClinVar aggregate classification (germline): Uncertain significance (1 of 4 stars; one submission).

Submission:

Dasa
Classification: Uncertain significance. Last evaluated: 2024-11-30. Review status: criteria provided, single submitter. Criteria: DASA Assertion Criteria. Collection method: clinical testing. Allele origin: germline.
Comment: NM_020708.5(SLC12A5):c.252T>G (p.Asn84Lys) is a missense variant that results in the substitution of asparagine with lysine. This variant is rare in population databases. Computational prediction algorithms are consistent with a benign effect. The currently available literature and clinical evidence are not sufficient to establish a definitive association between this variant and the reported condition. Therefore, this variant is classified as a variant of uncertain significance.